The following is an entry in ClinVar:

NM_004168.4(SDHA):c.554dup (p.Ala186fs)

Gene: SDHA (succinate dehydrogenase complex flavoprotein subunit A; plus strand). Cytogenetic location: 5p15.33.
Variant type: Duplication.
Coding change: c.554dup on transcript NM_004168.4 (MANE Select); coding-DNA position 554, one base duplicated (A; older notation c.554dupA).
Protein change: p.Ala186fs; shifts the reading frame from alanine 186.
Molecular consequence: frameshift variant.
Genome position (GRCh38, 1-based): chr5:225,980, A duplicated. VCF-style (leftmost placement, unchanged base first): chr5-225979-C-CA. GRCh37 (hg19) VCF-style: chr5-226094-C-CA.
Other names: c.410dup, p.Ala138fs (NM_001294332.2); c.554dup, p.Ala186fs (NM_001330758.2); short protein forms A138fs, A186fs.
Identifiers: ClinVar variation 1071644 (VCV001071644.12), dbSNP rs1173940446, ClinGen allele CA808823037.
Genomic context (GRCh38, chr5:225,979, plus strand): 5'-GATGGGAAGATTTATCAGCGTGCATTTGGTGGACAGAGCCTCAAGTTTGGAAAGGGCGGG[C>CA]AGGCCCATCGGTGCTGCTGTGTGGCTGATCGGACTGGCCACTCGCTATTGCACACCTTAT-3'

ClinVar aggregate classification (germline): Pathogenic/Likely pathogenic. Review status: criteria provided, multiple submitters, no conflicts (2 of 4 stars). 5 submissions from 5 submitters: Pathogenic (4); Likely pathogenic (1). Last evaluated 2024-08-27.

Conditions:
Pheochromocytoma/paraganglioma syndrome 5. Also called: Paragangliomas 5; SDHA-Related Hereditary Paraganglioma-Pheochromocytoma Syndrome. Identifiers: Orphanet 29072, MedGen C3279992, MONDO:0013602, OMIM 614165.
Hereditary cancer-predisposing syndrome. Also called: Tumor predisposition; Hereditary neoplastic syndrome; Neoplastic Syndromes, Hereditary; Hereditary Cancer Syndrome. Identifiers: Orphanet 140162, MedGen C0027672, MeSH D009386, MONDO:0015356.
Mitochondrial complex II deficiency, nuclear type 1. Also called: SUCCINATE CoQ REDUCTASE DEFICIENCY. Identifiers: Orphanet 3208, MedGen C5700310, MONDO:0100294, OMIM 252011.

Submissions (5):

Dasa
Classification: Pathogenic. Last evaluated: 2024-08-27. Review status: criteria provided, single submitter. Criteria: DASA Assertion Criteria. Collection method: clinical testing. Allele origin: germline.
Comment: NM_004168.4(SDHA):c.554dup (p.Ala186Glyfs*9) introduces a premature termination codon predicted to result in loss of normal protein function. Loss-of-function is an established mechanism of disease for this gene. This variant has been reported in individuals with related phenotype (PMID: 31212687). Multiple computational predictions support a deleterious effect on the gene or gene product. Based on the available data, this variant is classified as pathogenic.

Myriad Genetics, Inc.
Classification: Pathogenic for Pheochromocytoma/paraganglioma syndrome 5. Last evaluated: 2024-02-07. Review status: criteria provided, single submitter. Criteria: Myriad Autosomal Dominant, Autosomal Recessive and X-Linked Classification Criteria (2023). Collection method: clinical testing. Allele origin: unknown.
Comment: This variant is considered pathogenic. This variant creates a frameshift predicted to result in premature protein truncation.

Ambry Genetics
Classification: Pathogenic for Hereditary cancer-predisposing syndrome. Last evaluated: 2022-09-28. Review status: criteria provided, single submitter. Criteria: Ambry Variant Classification Scheme 2023. Collection method: clinical testing. Allele origin: germline.
Comment: The c.554dupA variant, located in coding exon 5 of the SDHA gene, results from a duplication of A at nucleotide position 554, causing a translational frameshift with a predicted alternate stop codon (p.A186Gfs*9). This variant is considered to be rare based on population cohorts in the Genome Aggregation Database (gnomAD). Of note, this alteration is also designated as "c.553_554insA (p.Ala186fs)" in published literature. This alteration is expected to result in loss of function by premature protein truncation or nonsense-mediated mRNA decay. As such, this alteration is interpreted as a disease-causing mutation.

Labcorp Genetics (formerly Invitae), Labcorp
Classification: Pathogenic for Pheochromocytoma/paraganglioma syndrome 5; Mitochondrial complex II deficiency, nuclear type 1. Last evaluated: 2022-08-12. Review status: criteria provided, single submitter. Criteria: Invitae Variant Classification Sherloc (09022015). Collection method: clinical testing. Allele origin: germline.
Comment: This sequence change creates a premature translational stop signal (p.Ala186Glyfs*9) in the SDHA gene. It is expected to result in an absent or disrupted protein product. Loss-of-function variants in SDHA are known to be pathogenic (PMID: 22974104, 24781757). For these reasons, this variant has been classified as Pathogenic. ClinVar contains an entry for this variant (Variation ID: 1071644). This variant has not been reported in the literature in individuals affected with SDHA-related conditions. This variant is not present in population databases (gnomAD no frequency).

Revvity Omics, Revvity
Classification: Likely pathogenic. Last evaluated: 2022-03-14. Review status: criteria provided, single submitter. Criteria: ACMG Guidelines, 2015. Collection method: clinical testing. Allele origin: germline.

Literature cited by the submitters: PubMed 31212687 (cited by Dasa and Ambry Genetics); PubMed 22974104 (cited by Labcorp Genetics (formerly Invitae), Labcorp); PubMed 24781757 (cited by Labcorp Genetics (formerly Invitae), Labcorp).